The following is an entry in ClinVar:

ClinVar aggregate classification (germline): Uncertain significance (1 of 4 stars; one submission).

Conditions:
Aortic valve disease 2 (AOVD2). Identifiers: MedGen C3542024, MONDO:0013902, OMIM 614823.

Allele frequency attached by ClinVar (database versions not stated): gnomAD 0.00001.
gnomAD v4.1: 10 of 1,434,372 alleles (0.0007%); highest among the groups gnomAD compares: South Asian, 0.012%; no homozygotes.

Submission:

Labcorp Genetics (formerly Invitae), Labcorp
Classification: Uncertain significance for Aortic valve disease 2. Last evaluated: 2022-10-19. Review status: criteria provided, single submitter. Criteria: Invitae Variant Classification Sherloc (09022015). Collection method: clinical testing. Allele origin: germline.
Comment: This variant has not been reported in the literature in individuals affected with SMAD6-related conditions. This variant is present in population databases (no rsID available, gnomAD 0.01%). This sequence change replaces alanine, which is neutral and non-polar, with proline, which is neutral and non-polar, at codon 43 of the SMAD6 protein (p.Ala43Pro). Algorithms developed to predict the effect of missense changes on protein structure and function (SIFT, PolyPhen-2, Align-GVGD) all suggest that this variant is likely to be tolerated. In summary, the available evidence is currently insufficient to determine the role of this variant in disease. Therefore, it has been classified as a Variant of Uncertain Significance.

NM_005585.5(SMAD6):c.127G>C (p.Ala43Pro)

Gene: SMAD6 (SMAD family member 6; plus strand). Cytogenetic location: 15q22.31.
Variant type: single nucleotide variant.
Coding change: c.127G>C on transcript NM_005585.5 (MANE Select); coding-DNA position 127, G replaced by C.
Protein change: p.Ala43Pro; replaces alanine 43 with proline.
Molecular consequence: missense variant. On other transcripts: non-coding transcript variant (1).
Genome position (GRCh38, 1-based): chr15:66,703,385, G>C. VCF-style: chr15-66703385-G-C. GRCh37 (hg19) VCF-style: chr15-66995723-G-C.
Other names: short protein forms A43P.
Identifiers: ClinVar variation 2196044 (VCV002196044.4), dbSNP rs1342993506, ClinGen allele CA392948645.
Genomic context (GRCh38, chr15:66,703,385, plus strand): 5'-GAGGAAGGCGGCAGCGGCGGCGGCGGTGGCGGCGACGAGGATGGGAGCTTGGGCAGCCGA[G>C]CTGAGCCGGCCCCGCGGGCAAGAGAGGGCGGAGGCTGCGGCCGCTCCGAAGTCCGCCCGG-3'
Protein context (NP_005576.3, residues 33-53): GDEDGSLGSR[Ala43Pro]EPAPRAREGG